The following is an entry in ClinVar:

NM_005629.4(SLC6A8):c.1431G>A (p.Ser477=)

Gene: SLC6A8 (solute carrier family 6 member 8; plus strand). Cytogenetic location: Xq28.
Variant type: single nucleotide variant.
Coding change: c.1431G>A on transcript NM_005629.4 (MANE Select); coding-DNA position 1431, G replaced by A.
Protein change: p.Ser477=; no amino-acid change (serine 477 retained).
Molecular consequence: synonymous variant.
Genome position (GRCh38, 1-based): chrX:153,694,382, G>A. VCF-style: chrX-153694382-G-A. GRCh37 (hg19) VCF-style: chrX-152959837-G-A.
Other names: c.1401G>A, p.Ser467= (NM_001142805.2); c.1086G>A, p.Ser362= (NM_001142806.1).
Identifiers: ClinVar variation 1299208 (VCV001299208.40), dbSNP rs1060453, ClinGen allele CA10549521.

ClinVar aggregate classification (germline): Likely benign. Review status: criteria provided, multiple submitters, no conflicts (2 of 4 stars). 2 submissions from 2 submitters: Likely benign (2). Last evaluated 2024-05-18.

Conditions:
Creatine transporter deficiency (CCDS1). Also called: CEREBRAL CREATINE DEFICIENCY SYNDROME 1; Mental retardation , X-linked with seizures, short stature and midface hypoplasia; Mental retardation , X-linked, with creatine transport deficiency; X-linked creatine transporter deficiency; X-linked creatine deficiency syndrome; SLC6A8-Related Creatine Transporter Deficiency. Identifiers: Orphanet 52503, MedGen C1845862, MONDO:0010305, OMIM 300352.

Allele frequency attached by ClinVar (database versions not stated): ExAC 0.00001; gnomAD 0.00001; gnomAD exomes 0.00001 and 0.00002; TOPMed 0.00002.
gnomAD v4.1: 12 of 1,209,033 alleles (0.00099%); highest among the groups gnomAD compares: Middle Eastern, 0.023%; no homozygotes.

Submissions (2):

Labcorp Genetics (formerly Invitae), Labcorp
Classification: Likely benign for Creatine transporter deficiency. Last evaluated: 2024-05-18. Review status: criteria provided, single submitter. Criteria: Invitae Variant Classification Sherloc (09022015). Collection method: clinical testing. Allele origin: germline.

CeGaT Center for Human Genetics Tuebingen
Classification: Likely benign. Last evaluated: 2024-03-01. Review status: criteria provided, single submitter. Criteria: CeGaT Center For Human Genetics Tuebingen Variant Classification Criteria Version 2. Collection method: clinical testing. Allele origin: germline. Affected: yes. Observed: 2 variant alleles.
Comment: SLC6A8: BP4, BP7